The following is an entry in ClinVar:

NM_006005.3(WFS1):c.-6+11C>T

Gene: WFS1 (wolframin ER transmembrane glycoprotein; plus strand). Cytogenetic location: 4p16.1.
Variant type: single nucleotide variant.
Coding change: c.-6+11C>T on transcript NM_006005.3 (MANE Select); 11 bases into the intron after 6 bases upstream of the start codon, C replaced by T.
Molecular consequence: intron variant.
Genome position (GRCh38, 1-based): chr4:6,270,025, C>T. VCF-style: chr4-6270025-C-T. GRCh37 (hg19) VCF-style: chr4-6271752-C-T.
Other names: c.-2+11C>T (NM_001145853.1).
Identifiers: ClinVar variation 137921 (VCV000137921.6), dbSNP rs547998667, ClinGen allele CA291630.

ClinVar aggregate classification (germline): Benign/Likely benign. Review status: criteria provided, multiple submitters, no conflicts (2 of 4 stars). 4 submissions from 3 submitters: Benign (3); Likely benign (1). Last evaluated 2018-01-13.

Conditions:
WFS1-Related Spectrum Disorders.
Wolfram syndrome 1 (WFS1). Identifiers: Orphanet 3463, MedGen C4551693, MONDO:0009101, OMIM 222300.
Autosomal dominant nonsyndromic hearing loss 6 (LFSNHL). Also called: Autosomal dominant nonsyndromic deafness 6; DIDMOAD (Diabetes Insipidus, Diabetes Mellitus, Optic Atrophy, and Deafness); DEAFNESS, AUTOSOMAL DOMINANT 6; DEAFNESS, AUTOSOMAL DOMINANT 14; DEAFNESS, AUTOSOMAL DOMINANT 38. Identifiers: Orphanet 90635, MedGen C1833021, MONDO:0010963, OMIM 600965.

Allele frequency attached by ClinVar (database versions not stated): 1000 Genomes Project 0.00379; TOPMed 0.00393; gnomAD 0.00446 and 0.00469; 1000 Genomes Project 30x 0.00453.

Submissions (4):

Illumina Laboratory Services, Illumina
Classification: Benign for Autosomal dominant nonsyndromic hearing loss 6. Last evaluated: 2018-01-13. Review status: criteria provided, single submitter. Criteria: ICSL Variant Classification Criteria 13 December 2019. Collection method: clinical testing. Allele origin: germline.
Comment: This variant was observed in the ICSL laboratory as part of a predisposition screen in an ostensibly healthy population. It had not been previously curated by ICSL or reported in the Human Gene Mutation Database (HGMD: prior to June 1st, 2018), and was therefore a candidate for classification through an automated scoring system. Utilizing variant allele frequency, disease prevalence and penetrance estimates, and inheritance mode, an automated score was calculated to assess if this variant is too frequent to cause the disease. Based on the score and internal cut-off values, a variant classified as benign is not then subjected to further curation. The score for this variant resulted in a classification of benign for this disease.

Illumina Laboratory Services, Illumina
Classification: Likely benign for WFS1-Related Spectrum Disorders. Last evaluated: 2018-01-13. Review status: criteria provided, single submitter. Criteria: ICSL Variant Classification Criteria 13 December 2019. Collection method: clinical testing. Allele origin: germline.
Comment: This variant was observed in the ICSL laboratory as part of a predisposition screen in an ostensibly healthy population. It had not been previously curated by ICSL or reported in the Human Gene Mutation Database (HGMD: prior to June 1st, 2018), and was therefore a candidate for classification through an automated scoring system. Utilizing variant allele frequency, disease prevalence and penetrance estimates, and inheritance mode, an automated score was calculated to assess if this variant is too frequent to cause the disease. Based on the score and internal cut-off values, a variant classified as likely benign is not then subjected to further curation. The score for this variant resulted in a classification of likely benign for this disease.

GeneDx
Classification: Benign. Last evaluated: 2013-01-28. Review status: criteria provided, single submitter. Criteria: GeneDx Variant Classification (06012015). Collection method: clinical testing. Allele origin: germline. Affected: yes.
Comment: This variant is considered likely benign or benign based on one or more of the following criteria: it is a conservative change, it occurs at a poorly conserved position in the protein, it is predicted to be benign by multiple in silico algorithms, and/or has population frequency not consistent with disease.

Clinical Genomics, Uppaluri K&H Personalized Medicine Clinic
Classification: Benign for Wolfram syndrome 1. Review status: criteria provided, single submitter. Criteria: K & H Uppaluri Personalized Medicine Clinic Variant Classification & Assertion Criteria_Updated V.1. Collection method: research. Allele origin: unknown. Inheritance: Autosomal recessive inheritance.
Comment: Potent mutations in WFS1 gene are associated with Wolfram's syndrome, an autosomal recessive condition, which cause diabetes mellitus, diabetes insipidus, deafness and optic atrophy.However no sufficient evidence is found to ascertain the role of this particular variant rs547998667 yet.

Literature cited by the submitters: PubMed 20738327 (cited by Clinical Genomics, Uppaluri K&H Personalized Medicine Clinic); PubMed 33879153 (cited by Clinical Genomics, Uppaluri K&H Personalized Medicine Clinic); PubMed 12955714 (cited by Clinical Genomics, Uppaluri K&H Personalized Medicine Clinic); PubMed 18060660 (cited by Clinical Genomics, Uppaluri K&H Personalized Medicine Clinic); PubMed 20301750 (cited by Clinical Genomics, Uppaluri K&H Personalized Medicine Clinic); PubMed 17603484 (cited by Clinical Genomics, Uppaluri K&H Personalized Medicine Clinic).